The following is an entry in ClinVar:

ClinVar aggregate classification (germline): Likely benign. Review status: criteria provided, multiple submitters, no conflicts (2 of 4 stars). 2 submissions from 2 submitters: Likely benign (2). Last evaluated 2026-01-01.

Allele frequency attached by ClinVar (database versions not stated): TOPMed below 0.00001; ExAC 0.00001; gnomAD 0.00001; gnomAD exomes 0.00002.
gnomAD v4.1: 28 of 1,613,454 alleles (0.0017%); highest among the groups gnomAD compares: Admixed American, 0.005%; no homozygotes.

Submissions (2):

CeGaT Center for Human Genetics Tuebingen
Classification: Likely benign. Last evaluated: 2026-01-01. Review status: criteria provided, single submitter. Criteria: CeGaT Center For Human Genetics Tuebingen Variant Classification Criteria Version 2. Collection method: clinical testing. Allele origin: germline. Affected: yes. Observed: 1 variant allele.
Comment: KMT2B: BP4, BP7

Labcorp Genetics (formerly Invitae), Labcorp
Classification: Likely benign. Last evaluated: 2024-01-22. Review status: criteria provided, single submitter. Criteria: Invitae Variant Classification Sherloc (09022015). Collection method: clinical testing. Allele origin: germline.

NM_014727.3(KMT2B):c.4797G>A (p.Leu1599=)

Gene: KMT2B (lysine methyltransferase 2B; plus strand). Cytogenetic location: 19q13.12.
Variant type: single nucleotide variant.
Coding change: c.4797G>A on transcript NM_014727.3 (MANE Select); coding-DNA position 4797, G replaced by A.
Protein change: p.Leu1599=; no amino-acid change (leucine 1599 retained).
Molecular consequence: synonymous variant.
Genome position (GRCh38, 1-based): chr19:35,729,176, G>A. VCF-style: chr19-35729176-G-A. GRCh37 (hg19) VCF-style: chr19-36220077-G-A.
Identifiers: ClinVar variation 2902874 (VCV002902874.7), dbSNP rs779668293, ClinGen allele CA9385225.